The following is an entry in ClinVar:

ClinVar aggregate classification (germline): Likely benign (1 of 4 stars; one submission).

Allele frequency attached by ClinVar (database versions not stated): gnomAD 0.00001; TOPMed 0.00001; ExAC 0.00004.
gnomAD v4.1: 12 of 1,445,188 alleles (0.00083%); highest among the groups gnomAD compares: South Asian, 0.0031%; no homozygotes.

Submission:

CeGaT Center for Human Genetics Tuebingen
Classification: Likely benign. Last evaluated: 2023-03-01. Review status: criteria provided, single submitter. Criteria: CeGaT Center For Human Genetics Tuebingen Variant Classification Criteria Version 2. Collection method: clinical testing. Allele origin: germline. Affected: yes. Observed: 1 variant allele.
Comment: MDH1: BP4, BP7

NM_005917.4(MDH1):c.225C>T (p.Asp75=)

Genes: MDH1 (malate dehydrogenase 1; plus strand), WDPCP (WD repeat containing planar cell polarity effector; minus strand). Cytogenetic location: 2p15.
Variant type: single nucleotide variant.
Coding change: c.225C>T on transcript NM_005917.4 (MANE Select); coding-DNA position 225, C replaced by T.
Protein change: p.Asp75=; no amino-acid change (aspartic acid 75 retained).
Molecular consequence: synonymous variant. On other transcripts: 5 prime UTR variant (1).
Genome position (GRCh38, 1-based): chr2:63,597,424, C>T. VCF-style: chr2-63597424-C-T. GRCh37 (hg19) VCF-style: chr2-63824558-C-T.
Other names: c.279C>T, p.Asp93= (NM_001199111.2); c.-43C>T (NM_001199112.2); c.225C>T, p.Asp75= (NM_001316374.2).
Identifiers: ClinVar variation 2498822 (VCV002498822.28), dbSNP rs748664587, ClinGen allele CA1682792.